The following is an entry in ClinVar:

NM_138694.4(PKHD1):c.1234-10_1234-9delinsAC

Gene: PKHD1 (PKHD1 ciliary IPT domain containing fibrocystin/polyductin; minus strand). Cytogenetic location: 6p12.2.
Variant type: Indel.
Coding change: c.1234-10_1234-9delinsAC on transcript NM_138694.4 (MANE Select); 10 bases into the intron before coding-DNA position 1234 through 9 bases into the intron before coding-DNA position 1234, TT replaced by AC.
Molecular consequence: intron variant.
Genome position (GRCh38, 1-based): chr6:52,058,610-52,058,611, AA replaced by GT on the plus strand (TT replaced by AC on the coding strand, the reverse complement: PKHD1 is on the minus strand). VCF-style: chr6-52058610-AA-GT. GRCh37 (hg19) VCF-style: chr6-51923408-AA-GT.
Other names: c.1234-10_1234-9delTTinsAC (NM_138694.3); c.1234-10_1234-9delinsAC (NM_170724.3).
Identifiers: ClinVar variation 458590 (VCV000458590.17), dbSNP rs1554217929, ClinGen allele CA658657600.

ClinVar aggregate classification (germline): Conflicting classifications of pathogenicity. Review status: criteria provided, conflicting classifications (1 of 4 stars). 3 submissions from 3 submitters: Uncertain significance (1); Likely benign (2). Last evaluated 2026-01-28.

Conditions:
Autosomal recessive polycystic kidney disease (ARPKD). Also called: AR polycystic kidney disease. Identifiers: Orphanet 731, Orphanet 8378, MedGen C0085548, MeSH D017044, MONDO:0009889.

Submissions (3):

Labcorp Genetics (formerly Invitae), Labcorp
Classification: Likely benign for Autosomal recessive polycystic kidney disease. Last evaluated: 2026-01-28. Review status: criteria provided, single submitter. Criteria: Invitae Variant Classification Sherloc (09022015). Collection method: clinical testing. Allele origin: germline.

Women's Health and Genetics/Laboratory Corporation of America, LabCorp
Classification: Likely benign. Last evaluated: 2025-01-06. Review status: criteria provided, single submitter. Criteria: LabCorp Variant Classification Summary - May 2015. Collection method: clinical testing. Allele origin: germline.
Comment: Variant summary: PKHD1 c.1234-10_1234-9delinsAC alters a nucleotide located at a position not widely known to affect splicing. Several computational tools predict a significant impact on normal splicing: One predict the variant abolishes a 3' acceptor site. Two predict the variant weakens a 3 acceptor site. However, these predictions have yet to be confirmed by functional studies. Additionally, a different splice predictor tool predicts the variant to have no impact on splicing (Splice-AI). The variant allele was found at a frequency of 0.0008 in 1613584 control chromosomes, predominantly at a frequency of 0.0011 within the Non-Finnish European subpopulation in the gnomAD database, including 1 homozygotes. The available data on variant occurrences in the general population are insufficient to allow any conclusion about variant significance. To our knowledge, no occurrence of c.1234-10_1234-9delinsAC in individuals affected with Polycystic Kidney And Hepatic Disease and no experimental evidence demonstrating its impact on protein function have been reported. ClinVar contains an entry for this variant (Variation ID: 458590). Based on the evidence outlined above, the variant was classified as likely benign.

GeneDx
Classification: Uncertain significance. Last evaluated: 2024-11-08. Review status: criteria provided, single submitter. Criteria: GeneDx Variant Classification Process June 2021. Collection method: clinical testing. Allele origin: germline. Affected: yes.
Comment: In silico analysis is inconclusive as to whether the variant alters gene splicing. In the absence of RNA/functional studies, the actual effect of this sequence change is unknown; Has not been previously published as pathogenic or benign to our knowledge